The following is an entry in ClinVar:

ClinVar aggregate classification (germline): Pathogenic (1 of 4 stars; one submission).

Submission:

GeneDx
Classification: Pathogenic. Last evaluated: 2022-06-02. Review status: criteria provided, single submitter. Criteria: GeneDx Variant Classification Process June 2021. Collection method: clinical testing. Allele origin: germline. Affected: yes.
Comment: Nonsense variant predicted to result in protein truncation or nonsense mediated decay in a gene for which loss of function is a known mechanism of disease; Not observed at significant frequency in large population cohorts (gnomAD); Identified in a patient with PAH in published literature (Yang et al., 2018); This variant is associated with the following publications: (PMID: 29743074)

NM_001204.7(BMPR2):c.895del (p.Trp298_Val299insTer)

Gene: BMPR2 (bone morphogenetic protein receptor type 2; plus strand). Cytogenetic location: 2q33.2.
Variant type: Deletion.
Coding change: c.895del on transcript NM_001204.7 (MANE Select); coding-DNA position 895, one base deleted (G; older notation c.895delG).
Protein change: p.Trp298_Val299insTer.
Molecular consequence: nonsense. On other transcripts: frameshift variant (1).
Genome position (GRCh38, 1-based): chr2:202,520,129, G deleted; the last of 3 consecutive G bases (chr2:202,520,127-202,520,129); deleting any one gives the same sequence. VCF-style (leftmost placement, unchanged base first): chr2-202520126-TG-T. GRCh37 (hg19) VCF-style: chr2-203384849-TG-T.
Other names: c.895delG, p.Val299Terfs (NM_001204.6).
Identifiers: ClinVar variation 1802020 (VCV001802020.1), dbSNP rs1085307272, ClinGen allele CA2580065458.